The following is an entry in ClinVar:

NM_173601.2(GXYLT1):c.65C>T (p.Ala22Val)

Genes: GXYLT1 (glucoside xylosyltransferase 1; minus strand), LOC130007693 (ATAC-STARR-seq lymphoblastoid silent region 4358; plus strand). Cytogenetic location: 12q12.
Variant type: single nucleotide variant.
Coding change: c.65C>T on transcript NM_173601.2 (MANE Select); coding-DNA position 65, C replaced by T.
Protein change: p.Ala22Val; replaces alanine 22 with valine.
Molecular consequence: missense variant.
Genome position (GRCh38, 1-based): chr12:42,144,582, G>A on the plus strand (C>T on the coding strand, the complement: GXYLT1 is on the minus strand). VCF-style: chr12-42144582-G-A. GRCh37 (hg19) VCF-style: chr12-42538384-G-A.
Other names: c.65C>T, p.Ala22Val (NM_001099650.2); short protein forms A22V.
Identifiers: ClinVar variation 4839696 (VCV004839696.1).
Genomic context (GRCh38, chr12:42,144,582, plus strand): 5'-TGCGGCTTCCCGCCACCGCCGCCCGTTCCTTCTTCCAGGGACACGGCGAGCTGGCTGAAA[G>A]CGTAAAGGAGCGAGCAGAAGCCGCAGGCCACACACAGCACCACGACGCGCAGGTAGCGCC-3'
Protein context (NP_775872.1, residues 12-32): VACGFCSLLY[Ala22Val]FSQLAVSLEE

ClinVar aggregate classification (germline): Uncertain significance (1 of 4 stars; one submission).

Submission:

Ambry Genetics
Classification: Uncertain significance. Last evaluated: 2026-01-25. Review status: criteria provided, single submitter. Criteria: Ambry Variant Classification Scheme 2023. Collection method: clinical testing. Allele origin: germline.
Comment: The c.65C>T (p.A22V) alteration is located in exon 1 (coding exon 1) of the GXYLT1 gene. This alteration results from a C to T substitution at nucleotide position 65, causing the alanine (A) at amino acid position 22 to be replaced by a valine (V). Based on data from gnomAD, the T allele has an overall frequency of 0.001% (1/133416) total alleles studied. The highest observed frequency was 0.005% (1/20578) of South Asian alleles. Based on insufficient or conflicting evidence, the clinical significance of this alteration remains unclear.